The following is an entry in ClinVar:

NM_001329943.3(KIAA0586):c.3813C>T (p.Asn1271=)

Gene: KIAA0586 (KIAA0586; plus strand). Cytogenetic location: 14q23.1.
Variant type: single nucleotide variant.
Coding change: c.3813C>T on transcript NM_001329943.3 (MANE Select); coding-DNA position 3813, C replaced by T.
Protein change: p.Asn1271=; no amino-acid change (asparagine 1271 retained).
Molecular consequence: synonymous variant.
Genome position (GRCh38, 1-based): chr14:58,490,195, C>T. VCF-style: chr14-58490195-C-T. GRCh37 (hg19) VCF-style: chr14-58956913-C-T.
Other names: c.3972C>T, p.Asn1324= (NM_001244189.2); c.3768C>T, p.Asn1256= (NM_001244190.2); c.3558C>T, p.Asn1186= (NM_001244191.2, NM_001329945.2, NM_001364700.1 and 1 more transcripts); c.3681C>T, p.Asn1227= (NM_001244192.2); c.3393C>T, p.Asn1131= (NM_001244193.2); c.3813C>T, p.Asn1271= (NM_001329944.2, NM_001329946.2, NM_001329947.2); c.3585C>T, p.Asn1195= (NM_014749.5).
Identifiers: ClinVar variation 2067103 (VCV002067103.8), dbSNP rs1160924805, ClinGen allele CA486544912.

ClinVar aggregate classification (germline): Likely benign. Review status: criteria provided, multiple submitters, no conflicts (2 of 4 stars). 2 submissions from 2 submitters: Likely benign (2). Last evaluated 2026-02-01.

Conditions:
Joubert syndrome 23 (JBTS23). Identifiers: Orphanet 475, MedGen C4084822, MONDO:0014664, OMIM 616490.
Short-rib thoracic dysplasia 14 with polydactyly (SRTD14). Identifiers: Orphanet 397715, MedGen C4225286, MONDO:0014688, OMIM 616546.

gnomAD v4.1: 19 of 1,535,290 alleles (0.0012%); highest among the groups gnomAD compares: Admixed American, 0.0078%; no homozygotes.

Submissions (2):

CeGaT Center for Human Genetics Tuebingen
Classification: Likely benign. Last evaluated: 2026-02-01. Review status: criteria provided, single submitter. Criteria: CeGaT Center For Human Genetics Tuebingen Variant Classification Criteria Version 2. Collection method: clinical testing. Allele origin: germline. Affected: yes. Observed: 1 variant allele.
Comment: KIAA0586: BP4, BP7

Labcorp Genetics (formerly Invitae), Labcorp
Classification: Likely benign for Joubert syndrome 23; Short-rib thoracic dysplasia 14 with polydactyly. Last evaluated: 2025-04-11. Review status: criteria provided, single submitter. Criteria: Invitae Variant Classification Sherloc (09022015). Collection method: clinical testing. Allele origin: germline.